The following is an entry in ClinVar:

ClinVar aggregate classification (germline): Uncertain significance (1 of 4 stars; one submission).

Conditions:
Baraitser-Winter syndrome 1 (BRWS1). Also called: BARAITSER-WINTER SYNDROME 1, ATYPICAL; PACHYGYRIA, MENTAL RETARDATION, EPILEPSY, AND CHARACTERISTIC FACIES; MENTAL RETARDATION WITH EPILEPSY AND CHARACTERISTIC FACIES; Cerebrofrontofacial syndrome. Identifiers: Orphanet 2649, Orphanet 2995, MedGen C1855722, MONDO:0009470, OMIM 243310.

Submission:

Labcorp Genetics (formerly Invitae), Labcorp
Classification: Uncertain significance for Baraitser-Winter syndrome 1. Last evaluated: 2023-01-28. Review status: criteria provided, single submitter. Criteria: Invitae Variant Classification Sherloc (09022015). Collection method: clinical testing. Allele origin: germline.
Comment: This sequence change falls in intron 2 of the ACTB gene. It does not directly change the encoded amino acid sequence of the ACTB protein. It affects a nucleotide within the consensus splice site. This variant is not present in population databases (gnomAD no frequency). This variant has not been reported in the literature in individuals affected with ACTB-related conditions. Variants that disrupt the consensus splice site are a relatively common cause of aberrant splicing (PMID: 17576681, 9536098). Algorithms developed to predict the effect of sequence changes on RNA splicing suggest that this variant is not likely to affect RNA splicing. In summary, the available evidence is currently insufficient to determine the role of this variant in disease. Therefore, it has been classified as a Variant of Uncertain Significance.

Literature cited by the submitters: PubMed 17576681; PubMed 9536098.

NM_001101.5(ACTB):c.123+3A>C

Gene: ACTB (actin beta; minus strand). Cytogenetic location: 7p22.1.
Variant type: single nucleotide variant.
Coding change: c.123+3A>C on transcript NM_001101.5 (MANE Select); 3 bases into the intron after coding-DNA position 123, A replaced by C.
Molecular consequence: intron variant.
Genome position (GRCh38, 1-based): chr7:5,529,532, T>G on the plus strand (A>C on the coding strand, the complement: ACTB is on the minus strand). VCF-style: chr7-5529532-T-G. GRCh37 (hg19) VCF-style: chr7-5569163-T-G.
Identifiers: ClinVar variation 1933958 (VCV001933958.5), dbSNP rs878963559, ClinGen allele CA153195703.